The following is an entry in ClinVar:

ClinVar aggregate classification (germline): Uncertain significance. Review status: criteria provided, multiple submitters, no conflicts (2 of 4 stars). 7 submissions from 7 submitters: Uncertain significance (7). Last evaluated 2026-08-01.

Conditions:
Hereditary cancer-predisposing syndrome. Also called: Hereditary neoplastic syndrome; Tumor predisposition; Neoplastic Syndromes, Hereditary; Hereditary Cancer Syndrome. Identifiers: Orphanet 140162, MedGen C0027672, MeSH D009386, MONDO:0015356.
Cardiovascular phenotype. Identifiers: MedGen CN230736.
Hereditary breast ovarian cancer syndrome. Also called: Hereditary breast and ovarian cancer syndrome; Hereditary breast and ovarian cancer syndrome (HBOC); Hereditary breast and ovarian cancer; Breast and ovarian cancer; BRCA1- and BRCA2-Associated Hereditary Breast and Ovarian Cancer; Hereditary breast and/or ovarian cancer syndrome. Identifiers: Orphanet 145, MedGen C0677776, MeSH D061325, MONDO:0003582. Disease mechanism: loss of function.
Neurofibromatosis, type 1 (NF1). Also called: NEUROFIBROMATOSIS, TYPE I, SOMATIC; Neurofibromatosis, type I; Peripheral type neurofibromatosis; VON RECKLINGHAUSEN DISEASE. Identifiers: Orphanet 636, MedGen C0027831, MONDO:0018975, OMIM 162200. Disease mechanism: loss of function.

Allele frequency attached by ClinVar (database versions not stated): gnomAD exomes below 0.00001.
gnomAD v4.1: 2 of 1,613,862 alleles (0.00012%); highest among the groups gnomAD compares: Non-Finnish European, 0.00017%; no homozygotes.

Submissions (7):

CeGaT Center for Human Genetics Tuebingen
Classification: Uncertain significance. Last evaluated: 2026-08-01. Review status: criteria provided, single submitter. Criteria: CeGaT Center For Human Genetics Tuebingen Variant Classification Criteria Version 2. Collection method: clinical testing. Allele origin: germline. Affected: yes. Observed: 1 variant allele.

Ambry Genetics
Classification: Uncertain significance for Cardiovascular phenotype; Hereditary cancer-predisposing syndrome. Last evaluated: 2025-11-13. Review status: criteria provided, single submitter. Criteria: Ambry Variant Classification Scheme 2023. Collection method: clinical testing. Allele origin: germline.
Comment: The p.R2431H variant (also known as c.7292G>A), located in coding exon 49 of the NF1 gene, results from a G to A substitution at nucleotide position 7292. The arginine at codon 2431 is replaced by histidine, an amino acid with highly similar properties. This amino acid position is highly conserved in available vertebrate species. In addition, the in silico prediction for this alteration is inconclusive. Since supporting evidence is limited at this time, the clinical significance of this alteration remains unclear.

Labcorp Genetics (formerly Invitae), Labcorp
Classification: Uncertain significance for Neurofibromatosis, type 1. Last evaluated: 2022-12-31. Review status: criteria provided, single submitter. Criteria: Invitae Variant Classification Sherloc (09022015). Collection method: clinical testing. Allele origin: germline.
Comment: This sequence change replaces arginine, which is basic and polar, with histidine, which is basic and polar, at codon 2431 of the NF1 protein (p.Arg2431His). In summary, the available evidence is currently insufficient to determine the role of this variant in disease. Therefore, it has been classified as a Variant of Uncertain Significance. Advanced modeling of protein sequence and biophysical properties (such as structural, functional, and spatial information, amino acid conservation, physicochemical variation, residue mobility, and thermodynamic stability) performed at Invitae indicates that this missense variant is expected to disrupt NF1 protein function. ClinVar contains an entry for this variant (Variation ID: 485941). This missense change has been observed in individual(s) with clinical features of Noonan syndrome (PMID: 29089047). This variant is not present in population databases (gnomAD no frequency).

Blueprint Genetics
Classification: Uncertain significance. Last evaluated: 2022-06-28. Review status: criteria provided, single submitter. Criteria: ACMG Guidelines, 2015. Collection method: clinical testing. Allele origin: germline.

GeneDx
Classification: Uncertain significance. Last evaluated: 2022-05-25. Review status: criteria provided, single submitter. Criteria: GeneDx Variant Classification Process June 2021. Collection method: clinical testing. Allele origin: germline. Affected: yes.
Comment: Not observed at significant frequency in large population cohorts (gnomAD); In silico analysis supports that this missense variant has a deleterious effect on protein structure/function; Identified in a patient with a congenital cardiac left sided lesion (Li 2017); This variant is associated with the following publications: (PMID: 29089047)

Genome-Nilou Lab
Classification: Uncertain significance for Neurofibromatosis, type 1. Last evaluated: 2022-03-15. Review status: criteria provided, single submitter. Criteria: ACMG Guidelines, 2015. Collection method: clinical testing. Allele origin: germline. Affected: no.

Cancer Genomics Group, Japanese Foundation For Cancer Research
Classification: Uncertain significance for Hereditary breast and ovarian cancer syndrome. Last evaluated: 2019-05-01. Review status: criteria provided, single submitter. Criteria: ACMG Guidelines, 2015. Collection method: research. Allele origin: germline. Affected: yes.

Literature cited by the submitters: PubMed 29089047 (cited by Labcorp Genetics (formerly Invitae), Labcorp).

NM_001042492.3(NF1):c.7355G>A (p.Arg2452His)

Gene: NF1 (neurofibromin 1; plus strand). Cytogenetic location: 17q11.2.
Variant type: single nucleotide variant.
Coding change: c.7355G>A on transcript NM_001042492.3 (MANE Select); coding-DNA position 7355, G replaced by A.
Protein change: p.Arg2452His; replaces arginine 2452 with histidine.
Molecular consequence: missense variant.
Genome position (GRCh38, 1-based): chr17:31,350,216, G>A. VCF-style: chr17-31350216-G-A. GRCh37 (hg19) VCF-style: chr17-29677234-G-A.
Other names: c.7292G>A, p.Arg2431His (NM_000267.4); short protein forms R2431H, R2452H.
Identifiers: ClinVar variation 485941 (VCV000485941.21), dbSNP rs1555536122, ClinGen allele CA399017010.
Genomic context (GRCh38, chr17:31,350,216, plus strand): 5'-TTTAACCTGCCACCGTTTTCCTTTTAGCTTTACTTACAGTGTCTGAAGAAGTTCGAAGTC[G>A]CTGCAGCCTAAAACATAGAAAGTCACTTCTTCTTACTGATATTTCAATGGAAAATGTTCC-3'
Protein context (NP_001035957.1, residues 2442-2462): LLTVSEEVRS[Arg2452His]CSLKHRKSLL